The following is an entry in ClinVar:

NM_000059.4(BRCA2):c.797T>A (p.Phe266Tyr)

Gene: BRCA2 (BRCA2 DNA repair associated; plus strand). Cytogenetic location: 13q13.1.
Variant type: single nucleotide variant.
Coding change: c.797T>A on transcript NM_000059.4 (MANE Select); coding-DNA position 797, T replaced by A.
Protein change: p.Phe266Tyr; replaces phenylalanine 266 with tyrosine.
Molecular consequence: missense variant.
Genome position (GRCh38, 1-based): chr13:32,332,275, T>A. VCF-style: chr13-32332275-T-A. GRCh37 (hg19) VCF-style: chr13-32906412-T-A.
Other names: c.797T>A, p.Phe266Tyr (NM_001406719.1, NM_001406720.1, NM_001406721.1); short protein forms F266Y.
Identifiers: ClinVar variation 1761462 (VCV001761462.4), dbSNP rs1566222067, ClinGen allele CA387760338.
Genomic context (GRCh38, chr13:32,332,275, plus strand): 5'-AATATAAATTATATGGCTTATAAAATATTAATGTGCTTCTGTTTTATACTTTAACAGGAT[T>A]TGGAAAAACATCAGGGAATTCATTTAAAGTAAATAGCTGCAAAGACCACATTGGAAAGTC-3'
Protein context (NP_000050.3, residues 256-276): TNQREAASHG[Phe266Tyr]GKTSGNSFKV

ClinVar aggregate classification (germline): Conflicting classifications of pathogenicity. Review status: criteria provided, conflicting classifications (1 of 4 stars). 2 submissions from 2 submitters: Uncertain significance (1); Likely benign (1). Last evaluated 2023-03-23.

Conditions:
Hereditary cancer-predisposing syndrome. Also called: Neoplastic Syndromes, Hereditary; Tumor predisposition; Hereditary Cancer Syndrome; Hereditary neoplastic syndrome. Identifiers: Orphanet 140162, MedGen C0027672, MeSH D009386, MONDO:0015356.

Submissions (2):

University of Washington Department of Laboratory Medicine, University of Washington
Classification: Likely benign for Hereditary cancer-predisposing syndrome. Last evaluated: 2023-03-23. Review status: criteria provided, single submitter. Criteria: Dines et al. (Genet Med. 2020). Collection method: curation. Allele origin: germline.
Comment: Missense variant in a coldspot region where missense variants are very unlikely to be pathogenic (PMID:31911673).

BRCA2 exon 10 coldspot. Reclassification based on statistical prior probability.

Ambry Genetics
Classification: Uncertain significance for Hereditary cancer-predisposing syndrome. Last evaluated: 2021-08-06. Review status: criteria provided, single submitter. Criteria: Ambry Variant Classification Scheme 2023. Collection method: clinical testing. Allele origin: germline.
Comment: The p.F266Y variant (also known as c.797T>A), located in coding exon 9 of the BRCA2 gene, results from a T to A substitution at nucleotide position 797. The phenylalanine at codon 266 is replaced by tyrosine, an amino acid with highly similar properties. This amino acid position is poorly conserved in available vertebrate species. In addition, this alteration is predicted to be tolerated by in silico analysis. Since supporting evidence is limited at this time, the clinical significance of this alteration remains unclear.